The following is an entry in ClinVar:

NM_002180.3(IGHMBP2):c.2554G>C (p.Glu852Gln)

Gene: IGHMBP2 (immunoglobulin mu DNA binding protein 2; plus strand). Cytogenetic location: 11q13.3.
Variant type: single nucleotide variant.
Coding change: c.2554G>C on transcript NM_002180.3 (MANE Select); coding-DNA position 2554, G replaced by C.
Protein change: p.Glu852Gln; replaces glutamic acid 852 with glutamine.
Molecular consequence: missense variant.
Genome position (GRCh38, 1-based): chr11:68,937,034, G>C. VCF-style: chr11-68937034-G-C. GRCh37 (hg19) VCF-style: chr11-68704502-G-C.
Other names: p.Glu852Gln; short protein forms E852Q.
Identifiers: ClinVar variation 246241 (VCV000246241.15), dbSNP rs202143060, ClinGen allele CA6153939.

ClinVar aggregate classification (germline): Uncertain significance. Review status: criteria provided, multiple submitters, no conflicts (2 of 4 stars). 4 submissions from 4 submitters: Uncertain significance (4). Last evaluated 2025-05-27.

Conditions:
Charcot-Marie-Tooth disease axonal type 2S. Also called: CHARCOT-MARIE-TOOTH NEUROPATHY, TYPE 2S; CHARCOT-MARIE-TOOTH DISEASE, AXONAL, AUTOSOMAL RECESSIVE, TYPE 2S. Identifiers: Orphanet 443073, MedGen C4015349, MONDO:0014511, OMIM 616155.
Autosomal recessive distal spinal muscular atrophy 1. Also called: HMN VI; NEURONOPATHY, SEVERE INFANTILE AXONAL, WITH RESPIRATORY FAILURE; SEVERE INFANTILE AXONAL NEUROPATHY WITH RESPIRATORY FAILURE; SPINAL MUSCULAR ATROPHY, DIAPHRAGMATIC; Spinal muscular atrophy with respiratory distress 1; NEURONOPATHY, DISTAL HEREDITARY MOTOR, HARDING TYPE VI. Identifiers: Orphanet 98920, MedGen C1858517, MONDO:0011436, OMIM 604320.
Inborn genetic diseases. Identifiers: MedGen C0950123, MeSH D030342.

Allele frequency attached by ClinVar (database versions not stated): gnomAD 0.00001; TOPMed 0.00002; ExAC 0.00005; gnomAD exomes 0.00005; 1000 Genomes Project 30x 0.00016; 1000 Genomes Project 0.00020.

Submissions (4):

Labcorp Genetics (formerly Invitae), Labcorp
Classification: Uncertain significance for Autosomal recessive distal spinal muscular atrophy 1; Charcot-Marie-Tooth disease axonal type 2S. Last evaluated: 2025-05-27. Review status: criteria provided, single submitter. Criteria: Invitae Variant Classification Sherloc (09022015). Collection method: clinical testing. Allele origin: germline.
Comment: This sequence change replaces glutamic acid, which is acidic and polar, with glutamine, which is neutral and polar, at codon 852 of the IGHMBP2 protein (p.Glu852Gln). This variant is present in population databases (rs202143060, gnomAD 0.05%). This variant has not been reported in the literature in individuals affected with IGHMBP2-related conditions. ClinVar contains an entry for this variant (Variation ID: 246241). Invitae Evidence Modeling of protein sequence and biophysical properties (such as structural, functional, and spatial information, amino acid conservation, physicochemical variation, residue mobility, and thermodynamic stability) indicates that this missense variant is not expected to disrupt IGHMBP2 protein function with a negative predictive value of 95%. In summary, the available evidence is currently insufficient to determine the role of this variant in disease. Therefore, it has been classified as a Variant of Uncertain Significance.

Ambry Genetics
Classification: Uncertain significance for Inborn genetic diseases. Last evaluated: 2024-07-27. Review status: criteria provided, single submitter. Criteria: Ambry Variant Classification Scheme 2023. Collection method: clinical testing. Allele origin: germline.

Mayo Clinic Laboratories, Mayo Clinic
Classification: Uncertain significance. Last evaluated: 2021-07-23. Review status: criteria provided, single submitter. Criteria: ACMG Guidelines, 2015. Collection method: clinical testing. Allele origin: germline.

GeneDx
Classification: Uncertain significance. Last evaluated: 2016-08-30. Review status: criteria provided, single submitter. Criteria: GeneDx Variant Classification (06012015). Collection method: clinical testing. Allele origin: germline. Affected: yes.
Comment: The E852Q variant has not been published as a pathogenic variant, nor has it been reported as a benign variant to our knowledge. It was not observed in approximately 6,100 individuals of European and African American ancestry in the NHLBI Exome Sequencing Project and was not observed with any significant frequency the 1000 Genomes Project. The E852Q variant is a semi-conservative amino acid substitution, which may impact secondary protein structure as these residues differ in some properties. However, this substitution occurs at a position that is not conserved, and Glutamine is observed at this position in other species. In silico analysis predicts this variant likely does not alter the protein structure/function. Therefore, based on the currently available information, it is unclear whether this variant is a pathogenic variant or a rare benign variant.